The following is an entry in ClinVar:

NM_001127222.2(CACNA1A):c.3055_3057delinsGGA (p.Arg1019Gly)

Gene: CACNA1A (calcium voltage-gated channel subunit alpha1 A; minus strand). Cytogenetic location: 19p13.13.
Variant type: Indel.
Coding change: c.3055_3057delinsGGA on transcript NM_001127222.2 (MANE Select); coding-DNA positions 3055 to 3057, AGG replaced by GGA.
Protein change: p.Arg1019Gly; replaces arginine 1019 with glycine.
Molecular consequence: missense variant.
Genome position (GRCh38, 1-based): chr19:13,298,576-13,298,578, CCT replaced by TCC on the plus strand (AGG replaced by GGA on the coding strand, the reverse complement: CACNA1A is on the minus strand). VCF-style: chr19-13298576-CCT-TCC. GRCh37 (hg19) VCF-style: chr19-13409390-CCT-TCC.
Other names: c.3055_3057delinsGGA (NM_001127222.1); c.3067_3069delinsGGA, p.Arg1023Gly (NM_000068.4, NM_023035.3); c.3058_3060delAGGinsGGA, p.Arg1020Gly (NM_001127221.1); c.3058_3060delinsGGA, p.Arg1020Gly (NM_001127221.2, NM_001174080.2); short protein forms R1019G, R1020G, R1023G.
Identifiers: ClinVar variation 1723071 (VCV001723071.3), dbSNP rs2512904550, ClinGen allele CA2580096595.

ClinVar aggregate classification (germline): Uncertain significance. Review status: criteria provided, multiple submitters, no conflicts (2 of 4 stars). 2 submissions from 2 submitters: Uncertain significance (2). Last evaluated 2024-12-03.

Conditions:
CACNA1A-related disorder. Also called: CACNA1A-related condition.

Submissions (2):

PreventionGenetics, part of Exact Sciences
Classification: Uncertain significance for CACNA1A-related condition. Last evaluated: 2024-12-03. Review status: criteria provided, single submitter. Criteria: ACMG Guidelines, 2015. Collection method: clinical testing. Allele origin: germline.
Comment: The CACNA1A c.3055_3057delinsGGA variant is predicted to result in an in-frame deletion and insertion. To our knowledge, this variant has not been reported in the literature or in a large population database (gnomAD), indicating this variant is rare. At this time, the clinical significance of this variant is uncertain due to the absence of conclusive functional and genetic evidence.

GeneDx
Classification: Uncertain significance. Last evaluated: 2022-05-03. Review status: criteria provided, single submitter. Criteria: GeneDx Variant Classification Process June 2021. Collection method: clinical testing. Allele origin: germline. Affected: yes.
Comment: Not observed at significant frequency in large population cohorts (gnomAD); In silico analysis supports that this variant does not alter protein structure/function; Has not been previously published as pathogenic or benign to our knowledge